The following is an entry in ClinVar:

NM_017934.7(PHIP):c.4489A>G (p.Lys1497Glu)

Genes: IRAK1BP1 (interleukin 1 receptor associated kinase 1 binding protein 1; plus strand), PHIP (PHIP subunit of CUL4-Ring ligase complex; minus strand). Cytogenetic location: 6q14.1.
Variant type: single nucleotide variant.
Coding change: c.4489A>G on transcript NM_017934.7 (MANE Select); coding-DNA position 4489, A replaced by G.
Protein change: p.Lys1497Glu; replaces lysine 1497 with glutamic acid.
Molecular consequence: missense variant.
Genome position (GRCh38, 1-based): chr6:78,946,142, T>C on the plus strand (A>G on the coding strand, the complement: PHIP is on the minus strand). VCF-style: chr6-78946142-T-C. GRCh37 (hg19) VCF-style: chr6-79655859-T-C.
Other names: c.4489A>G (NM_017934.6); short protein forms K1497E.
Identifiers: ClinVar variation 2077205 (VCV002077205.5), dbSNP rs1188168033, ClinGen allele CA364637462.

ClinVar aggregate classification (germline): Uncertain significance. Review status: criteria provided, single submitter (1 of 4 stars). 2 submissions from 2 submitters: Uncertain significance (1). 1 of the submissions does not count toward it. Last evaluated 2022-11-15.

Conditions:
PHIP-related disorder. Also called: PHIP-related disorders; PHIP-related condition.

Allele frequency attached by ClinVar (database versions not stated): gnomAD exomes below 0.00001.
gnomAD v4.1: 1 of 1,614,160 alleles (0.000062%); highest among the groups gnomAD compares: Admixed American, 0.0017%; no homozygotes.

Submissions (2):

Labcorp Genetics (formerly Invitae), Labcorp
Classification: Uncertain significance. Last evaluated: 2022-11-15. Review status: criteria provided, single submitter. Criteria: Invitae Variant Classification Sherloc (09022015). Collection method: clinical testing. Allele origin: germline.
Comment: This sequence change replaces lysine, which is basic and polar, with glutamic acid, which is acidic and polar, at codon 1497 of the PHIP protein (p.Lys1497Glu). This variant is present in population databases (no rsID available, gnomAD 0.003%). This variant has not been reported in the literature in individuals affected with PHIP-related conditions. Advanced modeling of protein sequence and biophysical properties (such as structural, functional, and spatial information, amino acid conservation, physicochemical variation, residue mobility, and thermodynamic stability) performed at Invitae indicates that this missense variant is not expected to disrupt PHIP protein function. Algorithms developed to predict the effect of sequence changes on RNA splicing suggest that this variant may disrupt the consensus splice site. In summary, the available evidence is currently insufficient to determine the role of this variant in disease. Therefore, it has been classified as a Variant of Uncertain Significance.

PreventionGenetics, part of Exact Sciences
Classification: Uncertain significance for PHIP-related condition. Last evaluated: 2024-07-09. Review status: no assertion criteria provided. Collection method: clinical testing. Allele origin: germline. Not counted in ClinVar's aggregate classification.
Comment: The PHIP c.4489A>G variant is predicted to result in the amino acid substitution p.Lys1497Glu. To our knowledge, this variant has not been reported in the literature. This variant is reported in 0.0029% of alleles in individuals of Latino descent in gnomAD. At this time, the clinical significance of this variant is uncertain due to the absence of conclusive functional and genetic evidence.